The following is an entry in ClinVar:

ClinVar aggregate classification (germline): Uncertain significance (1 of 4 stars; one submission).

Conditions:
Familial thoracic aortic aneurysm and aortic dissection (TAAD). Also called: Thoracic aortic aneurysms and dissections. Identifiers: Orphanet 91387, MedGen C4707243, MONDO:0019625.

Allele frequency attached by ClinVar (database versions not stated): gnomAD exomes 0.00001; ExAC 0.00006.
gnomAD v4.1: 12 of 1,591,312 alleles (0.00075%); highest among the groups gnomAD compares: South Asian, 0.012%; no homozygotes.

Submission:

Ambry Genetics
Classification: Uncertain significance for Familial thoracic aortic aneurysm and aortic dissection. Last evaluated: 2023-05-11. Review status: criteria provided, single submitter. Criteria: Ambry Variant Classification Scheme 2023. Collection method: clinical testing. Allele origin: germline.
Comment: The p.F111V variant (also known as c.331T>G), located in coding exon 1 of the TGFB2 gene, results from a T to G substitution at nucleotide position 331. The phenylalanine at codon 111 is replaced by valine, an amino acid with highly similar properties. This amino acid position is conserved. In addition, this alteration is predicted to be tolerated by in silico analysis. Since supporting evidence is limited at this time, the clinical significance of this alteration remains unclear.

NM_003238.6(TGFB2):c.331T>G (p.Phe111Val)

Gene: TGFB2 (transforming growth factor beta 2; plus strand). Cytogenetic location: 1q41.
Variant type: single nucleotide variant.
Coding change: c.331T>G on transcript NM_003238.6 (MANE Select); coding-DNA position 331, T replaced by G.
Protein change: p.Phe111Val; replaces phenylalanine 111 with valine.
Molecular consequence: missense variant. On other transcripts: non-coding transcript variant (2).
Genome position (GRCh38, 1-based): chr1:218,347,032, T>G. VCF-style: chr1-218347032-T-G. GRCh37 (hg19) VCF-style: chr1-218520374-T-G.
Other names: c.331T>G, p.Phe111Val (NM_001135599.4); short protein forms F111V.
Identifiers: ClinVar variation 2566496 (VCV002566496.2), dbSNP rs757959311, ClinGen allele CA1398405.